The following is an entry in ClinVar:

ClinVar aggregate classification (germline): Uncertain significance. Review status: criteria provided, multiple submitters, no conflicts (2 of 4 stars). 2 submissions from 2 submitters: Uncertain significance (2). Last evaluated 2024-02-03.

Conditions:
Cardiovascular phenotype. Identifiers: MedGen CN230736.
Primary dilated cardiomyopathy (DCM). Also called: Dilated Cardiomyopathy. Identifiers: Orphanet 217604, MedGen C0007193, MeSH D002311, MONDO:0005021, HP:0001644. Inheritance: Various modes of inheritance.

Submissions (2):

Labcorp Genetics (formerly Invitae), Labcorp
Classification: Uncertain significance for Primary dilated cardiomyopathy. Last evaluated: 2024-02-03. Review status: criteria provided, single submitter. Criteria: Invitae Variant Classification Sherloc (09022015). Collection method: clinical testing. Allele origin: germline.
Comment: This sequence change replaces valine, which is neutral and non-polar, with alanine, which is neutral and non-polar, at codon 117 of the TXNRD2 protein (p.Val117Ala). This variant is not present in population databases (gnomAD no frequency). This variant has not been reported in the literature in individuals affected with TXNRD2-related conditions. ClinVar contains an entry for this variant (Variation ID: 518855). Advanced modeling of protein sequence and biophysical properties (such as structural, functional, and spatial information, amino acid conservation, physicochemical variation, residue mobility, and thermodynamic stability) performed at Invitae indicates that this missense variant is not expected to disrupt TXNRD2 protein function with a negative predictive value of 80%. In summary, the available evidence is currently insufficient to determine the role of this variant in disease. Therefore, it has been classified as a Variant of Uncertain Significance.

Ambry Genetics
Classification: Uncertain significance for Cardiovascular phenotype. Last evaluated: 2017-05-30. Review status: criteria provided, single submitter. Criteria: Ambry Variant Classification Scheme 2023. Collection method: clinical testing. Allele origin: germline.
Comment: The p.V117A variant (also known as c.350T>C), located in coding exon 4 of the TXNRD2 gene, results from a T to C substitution at nucleotide position 350. The valine at codon 117 is replaced by alanine, an amino acid with similar properties. This amino acid position is not well conserved in available vertebrate species. In addition, this alteration is predicted to be tolerated by in silico analysis. Since supporting evidence is limited at this time, the clinical significance of this alteration remains unclear.

NM_006440.5(TXNRD2):c.350T>C (p.Val117Ala)

Gene: TXNRD2 (thioredoxin reductase 2; minus strand). Cytogenetic location: 22q11.21.
Variant type: single nucleotide variant.
Coding change: c.350T>C on transcript NM_006440.5 (MANE Select); coding-DNA position 350, T replaced by C.
Protein change: p.Val117Ala; replaces valine 117 with alanine.
Molecular consequence: missense variant. On other transcripts: non-coding transcript variant (1).
Genome position (GRCh38, 1-based): chr22:19,918,884, A>G on the plus strand (T>C on the coding strand, the complement: TXNRD2 is on the minus strand). VCF-style: chr22-19918884-A-G. GRCh37 (hg19) VCF-style: chr22-19906407-A-G.
Other names: c.350T>C, p.Val117Ala (NM_001282512.3); c.347T>C, p.Val116Ala (NM_001352300.2); c.260T>C, p.Val87Ala (NM_001352301.2); c.62T>C, p.Val21Ala (NM_001352302.2); c.254T>C, p.Val85Ala (NM_001352303.2); short protein forms V117A, V21A, V85A, V116A, V87A.
Identifiers: ClinVar variation 518855 (VCV000518855.7), dbSNP rs770727890, ClinGen allele CA410693688.